The following is an entry in ClinVar:

NM_013432.5(TONSL):c.3133C>A (p.Leu1045Ile)

Gene: TONSL (tonsoku like, DNA repair protein; minus strand). Cytogenetic location: 8q24.3.
Variant type: single nucleotide variant.
Coding change: c.3133C>A on transcript NM_013432.5 (MANE Select); coding-DNA position 3133, C replaced by A.
Protein change: p.Leu1045Ile; replaces leucine 1045 with isoleucine.
Molecular consequence: missense variant.
Genome position (GRCh38, 1-based): chr8:144,434,232, G>T on the plus strand (C>A on the coding strand, the complement: TONSL is on the minus strand). VCF-style: chr8-144434232-G-T. GRCh37 (hg19) VCF-style: chr8-145659615-G-T.
Other names: short protein forms L1045I.
Identifiers: ClinVar variation 1351305 (VCV001351305.8), dbSNP rs1823341147, ClinGen allele CA372647029.
Genomic context (GRCh38, chr8:144,434,232, plus strand): 5'-CCCGCAGCAGGGGTGTAAGCTGGGCCTGGTCCAGGGCCAGGGAGCAGGCGCTGAACGAGA[G>T]GCCCAAGCCCTGGAGCTCCACGGCCTGCAGCACCTGTTGGTGCTCCCCTGCGGGAGGGAT-3'
Protein context (NP_038460.4, residues 1035-1055): LQAVELQGLG[Leu1045Ile]SFSACSLALD

ClinVar aggregate classification (germline): Uncertain significance (1 of 4 stars; one submission).

Allele frequency attached by ClinVar (database versions not stated): TOPMed below 0.00001.

Submission:

Labcorp Genetics (formerly Invitae), Labcorp
Classification: Uncertain significance. Last evaluated: 2024-11-05. Review status: criteria provided, single submitter. Criteria: Invitae Variant Classification Sherloc (09022015). Collection method: clinical testing. Allele origin: germline.
Comment: This sequence change replaces leucine, which is neutral and non-polar, with isoleucine, which is neutral and non-polar, at codon 1045 of the TONSL protein (p.Leu1045Ile). This variant is not present in population databases (gnomAD no frequency). This variant has not been reported in the literature in individuals affected with TONSL-related conditions. ClinVar contains an entry for this variant (Variation ID: 1351305). Invitae Evidence Modeling of protein sequence and biophysical properties (such as structural, functional, and spatial information, amino acid conservation, physicochemical variation, residue mobility, and thermodynamic stability) indicates that this missense variant is not expected to disrupt TONSL protein function with a negative predictive value of 80%. In summary, the available evidence is currently insufficient to determine the role of this variant in disease. Therefore, it has been classified as a Variant of Uncertain Significance.